The following is an entry in ClinVar:

ClinVar aggregate classification (germline): Uncertain significance. Review status: criteria provided, multiple submitters, no conflicts (2 of 4 stars). 3 submissions from 3 submitters: Uncertain significance (3). Last evaluated 2024-11-24.

Conditions:
Familial thoracic aortic aneurysm and aortic dissection (TAAD). Also called: Thoracic aortic aneurysms and dissections. Identifiers: Orphanet 91387, MedGen C4707243, MONDO:0019625.
Loeys-Dietz syndrome (LDS). Identifiers: Orphanet 60030, MedGen C2697932, MONDO:0018954.

Allele frequency attached by ClinVar (database versions not stated): gnomAD exomes below 0.00001.
gnomAD v4.1: 1 of 1,613,942 alleles (0.000062%); highest among the groups gnomAD compares: Non-Finnish European, 0.000085%; no homozygotes.

Submissions (3):

Labcorp Genetics (formerly Invitae), Labcorp
Classification: Uncertain significance for Familial thoracic aortic aneurysm and aortic dissection. Last evaluated: 2024-11-24. Review status: criteria provided, single submitter. Criteria: Invitae Variant Classification Sherloc (09022015). Collection method: clinical testing. Allele origin: germline.
Comment: This sequence change replaces valine, which is neutral and non-polar, with methionine, which is neutral and non-polar, at codon 95 of the TGFBR1 protein (p.Val95Met). This variant is not present in population databases (gnomAD no frequency). This variant has not been reported in the literature in individuals affected with TGFBR1-related conditions. ClinVar contains an entry for this variant (Variation ID: 920306). Invitae Evidence Modeling of protein sequence and biophysical properties (such as structural, functional, and spatial information, amino acid conservation, physicochemical variation, residue mobility, and thermodynamic stability) indicates that this missense variant is not expected to disrupt TGFBR1 protein function with a negative predictive value of 80%. In summary, the available evidence is currently insufficient to determine the role of this variant in disease. Therefore, it has been classified as a Variant of Uncertain Significance.

All of Us Research Program, National Institutes of Health
Classification: Uncertain significance for Loeys-Dietz syndrome. Last evaluated: 2024-10-01. Review status: criteria provided, single submitter. Criteria: ACMG Guidelines, 2015. Collection method: clinical testing. Allele origin: germline. Inheritance: Autosomal dominant inheritance. Observed: 2 variant alleles, 2 heterozygotes.
Comment: This missense variant replaces valine with methionine at codon 95 of the TGFBR1 protein. Computational prediction suggests that this variant may not impact protein structure and function (internally defined REVEL score threshold <= 0.5, PMID: 27666373). To our knowledge, functional studies have not been reported for this variant. This variant has not been reported in individuals affected with cardiovascular disorders in the literature. This variant has not been identified in the general population by the Genome Aggregation Database (gnomAD). The available evidence is insufficient to determine the role of this variant in disease conclusively. Therefore, this variant is classified as a Variant of Uncertain Significance.

This study involves interpretation of variants in research participants for the purpose of population health screening. Participant phenotype was not available at the time of variant classification. Additional details can be found in publication PMID: 35346344, PMCID: PMC8962531

Color Diagnostics, LLC DBA Color Health
Classification: Uncertain significance for Familial thoracic aortic aneurysm and aortic dissection. Last evaluated: 2024-03-06. Review status: criteria provided, single submitter. Criteria: ACMG Guidelines, 2015. Collection method: clinical testing. Allele origin: germline.
Comment: This missense variant replaces valine with methionine at codon 95 of the TGFBR1 protein. Computational prediction suggests that this variant may not impact protein structure and function (internally defined REVEL score threshold <= 0.5, PMID: 27666373). To our knowledge, functional studies have not been reported for this variant. This variant has not been reported in individuals affected with cardiovascular disorders in the literature. This variant has not been identified in the general population by the Genome Aggregation Database (gnomAD). The available evidence is insufficient to determine the role of this variant in disease conclusively. Therefore, this variant is classified as a Variant of Uncertain Significance.

NM_004612.4(TGFBR1):c.283G>A (p.Val95Met)

Gene: TGFBR1 (transforming growth factor beta receptor 1; plus strand). Cytogenetic location: 9q22.33.
Variant type: single nucleotide variant.
Coding change: c.283G>A on transcript NM_004612.4 (MANE Select); coding-DNA position 283, G replaced by A.
Protein change: p.Val95Met; replaces valine 95 with methionine.
Molecular consequence: missense variant.
Genome position (GRCh38, 1-based): chr9:99,129,040, G>A. VCF-style: chr9-99129040-G-A. GRCh37 (hg19) VCF-style: chr9-101891322-G-A.
Other names: c.283G>A, p.Val95Met (NM_001130916.3, NM_001306210.2); short protein forms V95M.
Identifiers: ClinVar variation 920306 (VCV000920306.9), dbSNP rs1827129569, ClinGen allele CA374226166.